The following is an entry in ClinVar:

NM_130797.4(DPP6):c.1249G>A (p.Val417Ile)

Gene: DPP6 (dipeptidyl peptidase like 6; plus strand). Cytogenetic location: 7q36.2.
Variant type: single nucleotide variant.
Coding change: c.1249G>A on transcript NM_130797.4 (MANE Select); coding-DNA position 1249, G replaced by A.
Protein change: p.Val417Ile; replaces valine 417 with isoleucine.
Molecular consequence: missense variant. On other transcripts: non-coding transcript variant (2).
Genome position (GRCh38, 1-based): chr7:154,794,191, G>A. VCF-style: chr7-154794191-G-A. GRCh37 (hg19) VCF-style: chr7-154585901-G-A.
Other names: c.1057G>A, p.Val353Ile (NM_001039350.3, NM_001364501.2); c.928G>A, p.Val310Ile (NM_001290252.2); c.1066G>A, p.Val356Ile (NM_001364497.2, NM_001364498.2, NM_001364499.2 and 1 more transcripts); c.1063G>A, p.Val355Ile (NM_001936.5); short protein forms V310I, V353I, V355I, V356I, V417I.
Identifiers: ClinVar variation 2574031 (VCV002574031.3), dbSNP rs536301648, ClinGen allele CA4583453.
Genomic context (GRCh38, chr7:154,794,191, plus strand): 5'-ACCTGGCTGAACCGGGCGCAGAACGTGTCCATCCTCACCCTCTGCGACGCCACCACGGGG[G>A]TCTGCACGAAGGTACGCGGGGCTGTGGGGGTGGAGGGGAGACGGGTGAAGAACCGATGGT-3'
Protein context (NP_570629.2, residues 407-427): ILTLCDATTG[Val417Ile]CTKKHEDESE

ClinVar aggregate classification (germline): Uncertain significance (1 of 4 stars; one submission).

Conditions:
Long QT syndrome (LQTS). Identifiers: MedGen C0023976, MeSH D008133, MONDO:0002442. Disease mechanism: loss of function. Inheritance: Various modes of inheritance.

Allele frequency attached by ClinVar (database versions not stated): TOPMed 0.00009; gnomAD 0.00011; ExAC 0.00021; 1000 Genomes Project 0.00060; 1000 Genomes Project 30x 0.00062.
gnomAD v4.1: 246 of 1,610,186 alleles (0.015%); highest among the groups gnomAD compares: East Asian, 0.5%; no homozygotes.

Submission:

Dept of Medical Biology, Uskudar University
Classification: Uncertain significance for Long QT syndrome. Last evaluated: 2024-01-08. Review status: criteria provided, single submitter. Criteria: Dept of Medical Biology Variant Classification. Collection method: research. Allele origin: maternal. Affected: yes. Observed: 1 variant allele.
Comment: Criteria: BP1